The following is an entry in ClinVar:

NM_013275.6(ANKRD11):c.1190T>C (p.Ile397Thr)

Gene: ANKRD11 (ankyrin repeat domain 11; minus strand). Cytogenetic location: 16q24.3.
Variant type: single nucleotide variant.
Coding change: c.1190T>C on transcript NM_013275.6 (MANE Select); coding-DNA position 1190, T replaced by C.
Protein change: p.Ile397Thr; replaces isoleucine 397 with threonine.
Molecular consequence: missense variant.
Genome position (GRCh38, 1-based): chr16:89,285,352, A>G on the plus strand (T>C on the coding strand, the complement: ANKRD11 is on the minus strand). VCF-style: chr16-89285352-A-G. GRCh37 (hg19) VCF-style: chr16-89351760-A-G.
Other names: c.1190T>C, p.Ile397Thr (NM_001256182.2, NM_001256183.2); short protein forms I397T.
Identifiers: ClinVar variation 3691045 (VCV003691045.2).

ClinVar aggregate classification (germline): Uncertain significance (1 of 4 stars; one submission).

Conditions:
KBG syndrome (KBGS). Also called: ANKRD11-Related KBG Syndrome. Identifiers: Orphanet 2332, MedGen C0220687, MONDO:0007846, OMIM 148050.

gnomAD v4.1: 1 of 1,613,900 alleles (0.000062%); highest among the groups gnomAD compares: Non-Finnish European, 0.000085%; no homozygotes.

Submission:

Labcorp Genetics (formerly Invitae), Labcorp
Classification: Uncertain significance for KBG syndrome. Last evaluated: 2024-09-03. Review status: criteria provided, single submitter. Criteria: Invitae Variant Classification Sherloc (09022015). Collection method: clinical testing. Allele origin: germline.
Comment: This sequence change replaces isoleucine, which is neutral and non-polar, with threonine, which is neutral and polar, at codon 397 of the ANKRD11 protein (p.Ile397Thr). This variant is not present in population databases (gnomAD no frequency). This variant has not been reported in the literature in individuals affected with ANKRD11-related conditions. Invitae Evidence Modeling of protein sequence and biophysical properties (such as structural, functional, and spatial information, amino acid conservation, physicochemical variation, residue mobility, and thermodynamic stability) indicates that this missense variant is not expected to disrupt ANKRD11 protein function with a negative predictive value of 95%. In summary, the available evidence is currently insufficient to determine the role of this variant in disease. Therefore, it has been classified as a Variant of Uncertain Significance.